The following is an entry in ClinVar:

ClinVar aggregate classification (germline): Pathogenic (1 of 4 stars; one submission).

Conditions:
Polycystic kidney disease, adult type (PKD1). Also called: Polycystic Kidney Disease 1, Autosomal Dominant; Polycystic kidney disease 1; Polycystic kidney disease 1, severe; Polycystic Kidney, Autosomal Dominant; POLYCYSTIC KIDNEY DISEASE, ADULT, TYPE I; POLYCYSTIC KIDNEY DISEASE 1 WITH OR WITHOUT POLYCYSTIC LIVER DISEASE. Identifiers: MedGen C3149841, MONDO:0008263, OMIM 173900.

Submission:

MVZ Medizinische Genetik Mainz
Classification: Pathogenic for Polycystic kidney disease, adult type. Last evaluated: 2026-03-13. Review status: criteria provided, single submitter. Criteria: UK Practice Guidelines For Variant Classification V4 01 2020. Collection method: clinical testing. Allele origin: germline. Inheritance: Autosomal dominant inheritance. Affected: yes. Observed: 1 variant allele.
Comment: ACMG Criteria: PVS1,PM2_SUP,PP4

NM_001009944.3(PKD1):c.10401del (p.Ser3468fs)

Gene: PKD1 (polycystin 1, transient receptor potential channel interacting; minus strand). Cytogenetic location: 16p13.3.
Variant type: Deletion.
Coding change: c.10401del on transcript NM_001009944.3 (MANE Select); coding-DNA position 10401, one base deleted (A; older notation c.10401delA).
Protein change: p.Ser3468fs; shifts the reading frame from serine 3468.
Molecular consequence: frameshift variant.
Genome position (GRCh38, 1-based): chr16:2,097,323, T deleted on the plus strand (A on the coding strand, the reverse complement: PKD1 is on the minus strand). VCF-style (leftmost placement, unchanged base first): chr16-2097322-AT-A. GRCh37 (hg19) VCF-style: chr16-2147323-AT-A.
Other names: c.10398del, p.Ser3467fs (NM_000296.4); short protein forms S3467fs, S3468fs.
Identifiers: ClinVar variation 4818875 (VCV004818875.1).